The following is an entry in ClinVar:

NM_001267550.2(TTN):c.28127C>G (p.Thr9376Arg)

Gene: TTN (titin; minus strand). Cytogenetic location: 2q31.2.
Variant type: single nucleotide variant.
Coding change: c.28127C>G on transcript NM_001267550.2 (MANE Select); coding-DNA position 28127, C replaced by G.
Protein change: p.Thr9376Arg; replaces threonine 9376 with arginine.
Molecular consequence: missense variant. On other transcripts: intron variant (3).
Genome position (GRCh38, 1-based): chr2:178,711,109, G>C on the plus strand (C>G on the coding strand, the complement: TTN is on the minus strand). VCF-style: chr2-178711109-G-C. GRCh37 (hg19) VCF-style: chr2-179575836-G-C.
Other names: c.27176C>G, p.Thr9059Arg (NM_001256850.1); c.24395C>G, p.Thr8132Arg (NM_133378.4); c.13282+26973C>G (NM_003319.4); c.13858+26973C>G (NM_133437.4); c.13657+26973C>G (NM_133432.3); short protein forms T9376R, T8132R, T9059R.
Identifiers: ClinVar variation 199232 (VCV000199232.42), dbSNP rs749875409, ClinGen allele CA248334.

ClinVar aggregate classification (germline): Conflicting classifications of pathogenicity. Review status: criteria provided, conflicting classifications (1 of 4 stars). 3 submissions from 3 submitters: Uncertain significance (2); Likely benign (1). Last evaluated 2021-09-01.

Allele frequency attached by ClinVar (database versions not stated): TOPMed 0.00002; gnomAD exomes 0.00003; ExAC 0.00005.

Submissions (3):

CeGaT Center for Human Genetics Tuebingen
Classification: Uncertain significance. Last evaluated: 2021-09-01. Review status: criteria provided, single submitter. Criteria: CeGaT Center For Human Genetics Tuebingen Variant Classification Criteria Version 2. Collection method: clinical testing. Allele origin: germline. Affected: yes. Observed: 1 variant allele.

GeneDx
Classification: Likely benign. Last evaluated: 2018-06-05. Review status: criteria provided, single submitter. Criteria: GeneDx Variant Classification (06012015). Collection method: clinical testing. Allele origin: germline. Affected: yes.
Comment: This variant is considered likely benign or benign based on one or more of the following criteria: it is a conservative change, it occurs at a poorly conserved position in the protein, it is predicted to be benign by multiple in silico algorithms, and/or has population frequency not consistent with disease.

Eurofins Ntd Llc (ga)
Classification: Uncertain significance. Last evaluated: 2015-05-15. Review status: criteria provided, single submitter. Criteria: EGL Classification Definitions 2015. Collection method: clinical testing. Allele origin: germline. Observed: 2 variant alleles, 2 heterozygotes.